The following is an entry in ClinVar:

ClinVar aggregate classification (germline): Likely benign (1 of 4 stars; one submission).

Conditions:
PADI4-related disorder. Also called: PADI4-related condition.

gnomAD v4.1: 1,739 of 1,614,102 alleles (0.11%); highest among the groups gnomAD compares: Middle Eastern, 0.69%; 6 homozygotes.

Submission:

PreventionGenetics, part of Exact Sciences
Classification: Likely benign for PADI4-related condition. Last evaluated: 2026-05-15. Review status: criteria provided, single submitter. Criteria: ACMG Guidelines, 2015. Collection method: clinical testing. Allele origin: germline.
Comment: This variant is classified as likely benign based on ACMG/AMP sequence variant interpretation guidelines (Richards et al. 2015 PMID: 25741868, with internal and published modifications).

NM_012387.3(PADI4):c.1948C>A (p.Arg650Ser)

Gene: PADI4 (peptidyl arginine deiminase 4; plus strand). Cytogenetic location: 1p36.13.
Variant type: single nucleotide variant.
Coding change: c.1948C>A on transcript NM_012387.3 (MANE Select); coding-DNA position 1948, C replaced by A.
Protein change: p.Arg650Ser; replaces arginine 650 with serine.
Molecular consequence: missense variant.
Genome position (GRCh38, 1-based): chr1:17,363,711, C>A. VCF-style: chr1-17363711-C-A. GRCh37 (hg19) VCF-style: chr1-17690206-C-A.
Other names: short protein forms R650S.
Identifiers: ClinVar variation 5001200 (VCV005001200.1).
Genomic context (GRCh38, chr1:17,363,711, plus strand): 5'-ATCAACGACTTCTTCACCTACCACATCAGGCATGGGGAGGTGCACTGCGGCACCAACGTG[C>A]GCAGAAAGCCCTTCTCCTTCAAGTGGTGGAACATGGTGCCCTGAGCCCATCTTCCCTGGC-3'
Protein context (NP_036519.2, residues 640-660): HGEVHCGTNV[Arg650Ser]RKPFSFKWWN